The following is an entry in ClinVar:

ClinVar aggregate classification (germline): Uncertain significance. Review status: criteria provided, multiple submitters, no conflicts (2 of 4 stars). 3 submissions from 3 submitters: Uncertain significance (3). Last evaluated 2025-09-28.

Conditions:
Hereditary cancer-predisposing syndrome. Also called: Tumor predisposition; Hereditary neoplastic syndrome; Neoplastic Syndromes, Hereditary; Hereditary Cancer Syndrome. Identifiers: Orphanet 140162, MedGen C0027672, MeSH D009386, MONDO:0015356.
Fanconi anemia (FA). Also called: Fanconi's anemia. Identifiers: Orphanet 84, MedGen C0015625, MeSH D005199, MONDO:0019391.

Allele frequency attached by ClinVar (database versions not stated): gnomAD exomes below 0.00001; TOPMed 0.00001; ExAC 0.00002.
gnomAD v4.1: 4 of 1,614,076 alleles (0.00025%); highest among the groups gnomAD compares: Admixed American, 0.005%; no homozygotes.

Submissions (3):

Ambry Genetics
Classification: Uncertain significance for Hereditary cancer-predisposing syndrome. Last evaluated: 2025-09-28. Review status: criteria provided, single submitter. Criteria: Ambry Variant Classification Scheme 2023. Collection method: clinical testing. Allele origin: germline.
Comment: The p.V294I variant (also known as c.880G>A), located in coding exon 8 of the FANCC gene, results from a G to A substitution at nucleotide position 880. The valine at codon 294 is replaced by isoleucine, an amino acid with highly similar properties. This amino acid position is highly conserved in available vertebrate species. In addition, this alteration is predicted to be tolerated by in silico analysis. Since supporting evidence is limited at this time, the clinical significance of this alteration remains unclear.

Quest Diagnostics Nichols Institute San Juan Capistrano
Classification: Uncertain significance. Last evaluated: 2023-03-29. Review status: criteria provided, single submitter. Criteria: Quest Diagnostics criteria. Collection method: clinical testing. Allele origin: unknown.
Comment: The variant has not been reported in the published literature. The frequency of this variant in the general population, 0.000087 (3/34592 chromosomes), is uninformative in assessment of its pathogenicity. Analysis of this variant using bioinformatics tools for the prediction of the effect of amino acid changes on protein structure and function yielded conflicting predictions that this variant is benign or damaging. Based on the available information, we are unable to determine the clinical significance of this variant.

Labcorp Genetics (formerly Invitae), Labcorp
Classification: Uncertain significance for Fanconi anemia. Last evaluated: 2022-09-23. Review status: criteria provided, single submitter. Criteria: Invitae Variant Classification Sherloc (09022015). Collection method: clinical testing. Allele origin: germline.
Comment: This sequence change replaces valine, which is neutral and non-polar, with isoleucine, which is neutral and non-polar, at codon 294 of the FANCC protein (p.Val294Ile). This variant is present in population databases (rs758549385, gnomAD 0.009%). This variant has not been reported in the literature in individuals affected with FANCC-related conditions. Advanced modeling of protein sequence and biophysical properties (such as structural, functional, and spatial information, amino acid conservation, physicochemical variation, residue mobility, and thermodynamic stability) performed at Invitae indicates that this missense variant is not expected to disrupt FANCC protein function. In summary, the available evidence is currently insufficient to determine the role of this variant in disease. Therefore, it has been classified as a Variant of Uncertain Significance.

NM_000136.3(FANCC):c.880G>A (p.Val294Ile)

Genes: AOPEP (aminopeptidase O (putative); plus strand), FANCC (FA complementation group C; minus strand). Cytogenetic location: 9q22.32.
Variant type: single nucleotide variant.
Coding change: c.880G>A on transcript NM_000136.3 (MANE Select); coding-DNA position 880, G replaced by A.
Protein change: p.Val294Ile; replaces valine 294 with isoleucine.
Molecular consequence: missense variant.
Genome position (GRCh38, 1-based): chr9:95,126,545, C>T on the plus strand (G>A on the coding strand, the complement: FANCC is on the minus strand). VCF-style: chr9-95126545-C-T. GRCh37 (hg19) VCF-style: chr9-97888827-C-T.
Other names: c.880G>A, p.Val294Ile (NM_001243743.2, NM_001243744.2); short protein forms V294I.
Identifiers: ClinVar variation 2157701 (VCV002157701.5), dbSNP rs758549385, ClinGen allele CA5137609.